The following is an entry in ClinVar:

ClinVar aggregate classification (germline): Uncertain significance (1 of 4 stars; one submission).

Allele frequency attached by ClinVar (database versions not stated): gnomAD exomes below 0.00001.
gnomAD v4.1: 1 of 1,614,214 alleles (0.000062%); highest among the groups gnomAD compares: Non-Finnish European, 0.000085%; no homozygotes.

Submission:

Labcorp Genetics (formerly Invitae), Labcorp
Classification: Uncertain significance. Last evaluated: 2023-10-24. Review status: criteria provided, single submitter. Criteria: Invitae Variant Classification Sherloc (09022015). Collection method: clinical testing. Allele origin: germline.
Comment: This sequence change replaces asparagine, which is neutral and polar, with aspartic acid, which is acidic and polar, at codon 1036 of the POLE protein (p.Asn1036Asp). This variant is not present in population databases (gnomAD no frequency). This variant has not been reported in the literature in individuals affected with POLE-related conditions. ClinVar contains an entry for this variant (Variation ID: 2123137). Advanced modeling of protein sequence and biophysical properties (such as structural, functional, and spatial information, amino acid conservation, physicochemical variation, residue mobility, and thermodynamic stability) has been performed at Invitae for this missense variant, however the output from this modeling did not meet the statistical confidence thresholds required to predict the impact of this variant on POLE protein function. In summary, the available evidence is currently insufficient to determine the role of this variant in disease. Therefore, it has been classified as a Variant of Uncertain Significance.

NM_006231.4(POLE):c.3106A>G (p.Asn1036Asp)

Gene: POLE (DNA polymerase epsilon, catalytic subunit; minus strand). Cytogenetic location: 12q24.33.
Variant type: single nucleotide variant.
Coding change: c.3106A>G on transcript NM_006231.4 (MANE Select); coding-DNA position 3106, A replaced by G.
Protein change: p.Asn1036Asp; replaces asparagine 1036 with aspartic acid.
Molecular consequence: missense variant.
Genome position (GRCh38, 1-based): chr12:132,659,464, T>C on the plus strand (A>G on the coding strand, the complement: POLE is on the minus strand). VCF-style: chr12-132659464-T-C. GRCh37 (hg19) VCF-style: chr12-133236050-T-C.
Other names: short protein forms N1036D.
Identifiers: ClinVar variation 2123137 (VCV002123137.3), dbSNP rs2138678144, ClinGen allele CA387391695.